The following is an entry in ClinVar:

ClinVar aggregate classification (germline): Uncertain significance. Review status: criteria provided, multiple submitters, no conflicts (2 of 4 stars). 3 submissions from 3 submitters: Uncertain significance (3). Last evaluated 2024-08-21.

Conditions:
Inborn genetic diseases. Identifiers: MedGen C0950123, MeSH D030342.
Hermansky-Pudlak syndrome 5 (HPS5). Identifiers: Orphanet 231512, Orphanet 79430, MedGen C3888004, MONDO:0013557, OMIM 614074.

Allele frequency attached by ClinVar (database versions not stated): gnomAD 0.00006; ExAC 0.00012; TOPMed 0.00015; ESP Exome Variant Server 0.00039.
gnomAD v4.1: 461 of 1,613,932 alleles (0.029%); highest among the groups gnomAD compares: Non-Finnish European, 0.036%; 1 homozygote.

Submissions (3):

Ambry Genetics
Classification: Uncertain significance for Inborn genetic diseases. Last evaluated: 2024-08-21. Review status: criteria provided, single submitter. Criteria: Ambry Variant Classification Scheme 2023. Collection method: clinical testing. Allele origin: germline.

Labcorp Genetics (formerly Invitae), Labcorp
Classification: Uncertain significance. Last evaluated: 2022-10-17. Review status: criteria provided, single submitter. Criteria: Invitae Variant Classification Sherloc (09022015). Collection method: clinical testing. Allele origin: germline.
Comment: This sequence change replaces valine, which is neutral and non-polar, with phenylalanine, which is neutral and non-polar, at codon 841 of the HPS5 protein (p.Val841Phe). This variant is present in population databases (rs142090060, gnomAD 0.02%). This variant has not been reported in the literature in individuals affected with HPS5-related conditions. ClinVar contains an entry for this variant (Variation ID: 303875). Algorithms developed to predict the effect of missense changes on protein structure and function are either unavailable or do not agree on the potential impact of this missense change (SIFT: "Tolerated"; PolyPhen-2: "Possibly Damaging"; Align-GVGD: "Class C0"). In summary, the available evidence is currently insufficient to determine the role of this variant in disease. Therefore, it has been classified as a Variant of Uncertain Significance.

Illumina Laboratory Services, Illumina
Classification: Uncertain significance for Hermansky-Pudlak syndrome 5. Last evaluated: 2018-01-13. Review status: criteria provided, single submitter. Criteria: ICSL Variant Classification Criteria 13 December 2019. Collection method: clinical testing. Allele origin: germline.

NM_181507.2(HPS5):c.2521G>T (p.Val841Phe)

Gene: HPS5 (HPS5 biogenesis of lysosomal organelles complex 2 subunit 2; minus strand). Cytogenetic location: 11p15.1.
Variant type: single nucleotide variant.
Coding change: c.2521G>T on transcript NM_181507.2 (MANE Select); coding-DNA position 2521, G replaced by T.
Protein change: p.Val841Phe; replaces valine 841 with phenylalanine.
Molecular consequence: missense variant.
Genome position (GRCh38, 1-based): chr11:18,287,933, C>A on the plus strand (G>T on the coding strand, the complement: HPS5 is on the minus strand). VCF-style: chr11-18287933-C-A. GRCh37 (hg19) VCF-style: chr11-18309480-C-A.
Other names: c.2179G>T, p.Val727Phe (NM_181508.2, NM_007216.4); short protein forms V841F, V727F.
Identifiers: ClinVar variation 303875 (VCV000303875.10), dbSNP rs142090060, ClinGen allele CA5909837.